The following is an entry in ClinVar:

NM_012472.6(DNAAF11):c.1013C>T (p.Pro338Leu)

Gene: DNAAF11 (dynein axonemal assembly factor 11; minus strand). Cytogenetic location: 8q24.22.
Variant type: single nucleotide variant.
Coding change: c.1013C>T on transcript NM_012472.6 (MANE Select); coding-DNA position 1013, C replaced by T.
Protein change: p.Pro338Leu; replaces proline 338 with leucine.
Molecular consequence: missense variant. On other transcripts: non-coding transcript variant (10).
Genome position (GRCh38, 1-based): chr8:132,611,325, G>A on the plus strand (C>T on the coding strand, the complement: DNAAF11 is on the minus strand). VCF-style: chr8-132611325-G-A. GRCh37 (hg19) VCF-style: chr8-133623571-G-A.
Other names: c.953C>T, p.Pro318Leu (NM_001321961.2); c.767C>T, p.Pro256Leu (NM_001321962.2); c.653C>T, p.Pro218Leu (NM_001321963.2, NM_001321964.2, NM_001321965.2); c.593C>T, p.Pro198Leu (NM_001321966.2); short protein forms P338L, P198L, P256L, P318L, P218L.
Identifiers: ClinVar variation 576562 (VCV000576562.9), dbSNP rs140835420, ClinGen allele CA4881204.

ClinVar aggregate classification (germline): Uncertain significance. Review status: criteria provided, multiple submitters, no conflicts (2 of 4 stars). 2 submissions from 2 submitters: Uncertain significance (2). Last evaluated 2024-11-24.

Conditions:
Primary ciliary dyskinesia 19. Also called: CILIARY DYSKINESIA, PRIMARY, 19, WITH OR WITHOUT SITUS INVERSUS. Identifiers: Orphanet 244, MedGen C3543826, MONDO:0013979, OMIM 614935.

Allele frequency attached by ClinVar (database versions not stated): gnomAD below 0.00001 and 0.00001; TOPMed 0.00001; ExAC 0.00002; gnomAD exomes 0.00004 and 0.00006; ESP Exome Variant Server 0.00008.
gnomAD v4.1: 79 of 1,611,810 alleles (0.0049%); highest among the groups gnomAD compares: South Asian, 0.019%; no homozygotes.

Submissions (2):

Blueprint Genetics
Classification: Uncertain significance. Last evaluated: 2024-11-24. Review status: criteria provided, single submitter. Criteria: ACMG Guidelines, 2015. Collection method: clinical testing. Allele origin: germline.

Labcorp Genetics (formerly Invitae), Labcorp
Classification: Uncertain significance for Primary ciliary dyskinesia 19. Last evaluated: 2022-08-27. Review status: criteria provided, single submitter. Criteria: Invitae Variant Classification Sherloc (09022015). Collection method: clinical testing. Allele origin: germline.
Comment: This sequence change replaces proline, which is neutral and non-polar, with leucine, which is neutral and non-polar, at codon 338 of the LRRC6 protein (p.Pro338Leu). This variant is present in population databases (rs140835420, gnomAD 0.009%). This variant has not been reported in the literature in individuals affected with LRRC6-related conditions. ClinVar contains an entry for this variant (Variation ID: 576562). Algorithms developed to predict the effect of missense changes on protein structure and function are either unavailable or do not agree on the potential impact of this missense change (SIFT: "Deleterious"; PolyPhen-2: "Possibly Damaging"; Align-GVGD: "Class C0"). In summary, the available evidence is currently insufficient to determine the role of this variant in disease. Therefore, it has been classified as a Variant of Uncertain Significance.